The following is an entry in ClinVar:

ClinVar aggregate classification (germline): Uncertain significance. Review status: criteria provided, multiple submitters, no conflicts (2 of 4 stars). 6 submissions from 6 submitters: Uncertain significance (6). Last evaluated 2026-05-05.

Conditions:
TTN-related disorder. Also called: TTN-related condition; TTN-related disease; TTN-related disorders.
Autosomal recessive limb-girdle muscular dystrophy type 2J (LGMDR10). Also called: Limb-girdle muscular dystrophy, type 2J; MUSCULAR DYSTROPHY, LIMB-GIRDLE, AUTOSOMAL RECESSIVE 10. Identifiers: Orphanet 140922, MedGen C1837342, MONDO:0012127, OMIM 608807.
Dilated cardiomyopathy 1G (CMD1G). Identifiers: Orphanet 154, MedGen C1858763, MONDO:0011400, OMIM 604145.
Hypertrophic cardiomyopathy 9. Also called: Familial hypertrophic cardiomyopathy 9. Identifiers: MedGen C1861065, MONDO:0013412, OMIM 613765.
Myopathy, myofibrillar, 9, with early respiratory failure (MFM9). Also called: Hereditary myopathy with early respiratory failure; MYOPATHY, PROXIMAL, WITH EARLY RESPIRATORY MUSCLE INVOLVEMENT; EDSTROM MYOPATHY; Myopathy, distal, with early respiratory failure, autosomal dominant. Identifiers: Orphanet 178464, Orphanet 34521, MedGen C1863599, MONDO:0011362, OMIM 603689.
Tibial muscular dystrophy (TMD). Also called: Udd Distal Myopathy – Tibial Muscular Dystrophy; UDD MYOPATHY; Tibial muscular dystrophy, tardive. Identifiers: Orphanet 609, MedGen C1838244, MONDO:0010870, OMIM 600334.
Early-onset myopathy with fatal cardiomyopathy (CMYO5). Also called: Salih Myopathy; CONGENITAL MYOPATHY 5 WITH CARDIOMYOPATHY. Identifiers: Orphanet 289377, MedGen C2673677, MONDO:0012714, OMIM 611705. Disease mechanism: loss of function.

Allele frequency attached by ClinVar (database versions not stated): gnomAD 0.00001 and 0.00002; gnomAD exomes 0.00001 and 0.00004; TOPMed 0.00003; ExAC 0.00004.
gnomAD v4.1: 13 of 1,571,576 alleles (0.00083%); highest among the groups gnomAD compares: Admixed American, 0.012%; no homozygotes.

Submissions (6):

PreventionGenetics, part of Exact Sciences
Classification: Uncertain significance for TTN-related condition. Last evaluated: 2026-05-05. Review status: criteria provided, single submitter. Criteria: ACMG Guidelines, 2015. Collection method: clinical testing. Allele origin: germline.
Comment: The TTN c.29429T>C variant is predicted to result in the amino acid substitution p.Ile9810Thr. To our knowledge, this variant has not been reported in the literature. This variant is reported in 0.026% of alleles in individuals of Latino descent in gnomAD. At this time, the clinical significance of this variant is uncertain due to the absence of conclusive functional and genetic evidence.

Mayo Clinic Laboratories, Mayo Clinic
Classification: Uncertain significance. Last evaluated: 2025-09-13. Review status: criteria provided, single submitter. Criteria: ACMG Guidelines, 2015. Collection method: clinical testing. Allele origin: germline. Observed: 2 variant alleles.
Comment: BP4_moderate

Revvity Omics, Revvity
Classification: Uncertain significance. Last evaluated: 2024-04-29. Review status: criteria provided, single submitter. Criteria: ACMG Guidelines, 2015. Collection method: clinical testing. Allele origin: germline.

Fulgent Genetics
Classification: Uncertain significance for Tibial muscular dystrophy; Myopathy, myofibrillar, 9, with early respiratory failure; Dilated cardiomyopathy 1G; Autosomal recessive limb-girdle muscular dystrophy type 2J; Early-onset myopathy with fatal cardiomyopathy; Hypertrophic cardiomyopathy 9. Last evaluated: 2021-10-08. Review status: criteria provided, single submitter. Criteria: ACMG Guidelines, 2015. Collection method: clinical testing. Allele origin: unknown.

Labcorp Genetics (formerly Invitae), Labcorp
Classification: Uncertain significance for Dilated cardiomyopathy 1G; Autosomal recessive limb-girdle muscular dystrophy type 2J. Last evaluated: 2017-10-24. Review status: criteria provided, single submitter. Criteria: Invitae Variant Classification Sherloc (09022015). Collection method: clinical testing. Allele origin: germline.

Athena Diagnostics
Classification: Uncertain significance. Last evaluated: 2016-12-30. Review status: criteria provided, single submitter. Criteria: Athena Diagnostics Criteria. Collection method: clinical testing. Allele origin: germline.

NM_001267550.2(TTN):c.29429T>C (p.Ile9810Thr)

Gene: TTN (titin; minus strand). Cytogenetic location: 2q31.2.
Variant type: single nucleotide variant.
Coding change: c.29429T>C on transcript NM_001267550.2 (MANE Select); coding-DNA position 29429, T replaced by C.
Protein change: p.Ile9810Thr; replaces isoleucine 9810 with threonine.
Molecular consequence: missense variant. On other transcripts: intron variant (3).
Genome position (GRCh38, 1-based): chr2:178,705,349, A>G on the plus strand (T>C on the coding strand, the complement: TTN is on the minus strand). VCF-style: chr2-178705349-A-G. GRCh37 (hg19) VCF-style: chr2-179570076-A-G.
Other names: p.Ile8566Thr; c.29429T>C (LRG_391t1); c.28478T>C, p.Ile9493Thr (NM_001256850.1); c.25697T>C, p.Ile8566Thr (NM_133378.4); c.13282+32733T>C (NM_003319.4); c.13858+32733T>C (NM_133437.4); c.13657+32733T>C (NM_133432.3); short protein forms I9810T, I9493T, I8566T.
Identifiers: ClinVar variation 448783 (VCV000448783.9), dbSNP rs781737736, ClinGen allele CA1999376.